The following is an entry in ClinVar:

NM_001148.6(ANK2):c.9704C>T (p.Pro3235Leu)

Gene: ANK2 (ankyrin 2; plus strand). Cytogenetic location: 4q26.
Variant type: single nucleotide variant.
Coding change: c.9704C>T on transcript NM_001148.6 (MANE Select); coding-DNA position 9704, C replaced by T.
Protein change: p.Pro3235Leu; replaces proline 3235 with leucine.
Molecular consequence: missense variant. On other transcripts: intron variant (68).
Genome position (GRCh38, 1-based): chr4:113,358,322, C>T. VCF-style: chr4-113358322-C-T. GRCh37 (hg19) VCF-style: chr4-114279478-C-T.
Other names: c.9470C>T, p.Pro3157Leu (NM_001386142.1); c.6104C>T, p.Pro2035Leu (NM_001386166.1); c.9845C>T, p.Pro3282Leu (NM_001386174.1); c.9821C>T, p.Pro3274Leu (NM_001386175.1); c.4412-2501C>T (NM_001386186.2, NM_001386148.2); c.4214-2501C>T (NM_001354269.3); c.4292-2501C>T (NM_001386187.2); c.4253-2501C>T (NM_001386147.1); and 35 more; short protein forms P3235L, P2035L, P3157L, P3274L, P3282L.
Identifiers: ClinVar variation 263786 (VCV000263786.10), dbSNP rs748801701, ClinGen allele CA3051971.

ClinVar aggregate classification (germline): Conflicting classifications of pathogenicity. Review status: criteria provided, conflicting classifications (1 of 4 stars). 2 submissions from 2 submitters: Uncertain significance (1); Likely benign (1). Last evaluated 2025-11-12.

Conditions:
Cardiovascular phenotype. Identifiers: MedGen CN230736.
Long QT syndrome (LQTS). Identifiers: MedGen C0023976, MeSH D008133, MONDO:0002442. Disease mechanism: loss of function. Inheritance: Various modes of inheritance.

Allele frequency attached by ClinVar (database versions not stated): gnomAD 0.00001; ExAC 0.00002; gnomAD exomes 0.00002 and 0.00004; TOPMed 0.00004.
gnomAD v4.1: 30 of 1,613,310 alleles (0.0019%); highest among the groups gnomAD compares: Middle Eastern, 0.066%; no homozygotes.

Submissions (2):

Labcorp Genetics (formerly Invitae), Labcorp
Classification: Uncertain significance for Long QT syndrome. Last evaluated: 2025-11-12. Review status: criteria provided, single submitter. Criteria: Invitae Variant Classification Sherloc (09022015). Collection method: clinical testing. Allele origin: germline.
Comment: This sequence change replaces proline, which is neutral and non-polar, with leucine, which is neutral and non-polar, at codon 3235 of the ANK2 protein (p.Pro3235Leu). This variant is present in population databases (rs748801701, gnomAD 0.02%). This variant has not been reported in the literature in individuals affected with ANK2-related conditions. ClinVar contains an entry for this variant (Variation ID: 263786). An algorithm developed to predict the effect of missense changes on protein structure and function outputs the following: PolyPhen-2: "Benign". The leucine amino acid residue is found in multiple mammalian species, which suggests that this missense change does not adversely affect protein function. In summary, the available evidence is currently insufficient to determine the role of this variant in disease. Therefore, it has been classified as a Variant of Uncertain Significance.

Ambry Genetics
Classification: Likely benign for Cardiovascular phenotype. Last evaluated: 2020-01-31. Review status: criteria provided, single submitter. Criteria: Ambry Variant Classification Scheme 2023. Collection method: clinical testing. Allele origin: germline.